The following is an entry in ClinVar:

ClinVar aggregate classification (germline): Benign/Likely benign. Review status: criteria provided, multiple submitters, no conflicts (2 of 4 stars). 4 submissions from 4 submitters: Benign (2); Likely benign (2). Last evaluated 2026-02-03.

Conditions:
Parkinsonism-dystonia, infantile. Identifiers: Orphanet 238455, MedGen C2751067, MONDO:0013150.

Allele frequency attached by ClinVar (database versions not stated): 1000 Genomes Project 30x 0.00390; gnomAD 0.00410 and 0.00436; 1000 Genomes Project 0.00419; TOPMed 0.00456; ESP Exome Variant Server 0.00462; gnomAD exomes 0.00071 and 0.00132; ExAC 0.00189.
gnomAD v4.1: 1,754 of 1,611,034 alleles (0.11%); highest among the groups gnomAD compares: African/African-American, 1.4%; 14 homozygotes.

Submissions (4):

Labcorp Genetics (formerly Invitae), Labcorp
Classification: Benign for Parkinsonism-dystonia, infantile. Last evaluated: 2026-02-03. Review status: criteria provided, single submitter. Criteria: Invitae Variant Classification Sherloc (09022015). Collection method: clinical testing. Allele origin: germline.

CeGaT Center for Human Genetics Tuebingen
Classification: Likely benign. Last evaluated: 2025-06-01. Review status: criteria provided, single submitter. Criteria: CeGaT Center For Human Genetics Tuebingen Variant Classification Criteria Version 2. Collection method: clinical testing. Allele origin: germline. Affected: yes. Observed: 5 variant alleles.
Comment: SLC6A3: BP4, BP7, BS1

Blueprint Genetics
Classification: Likely benign. Last evaluated: 2024-11-14. Review status: criteria provided, single submitter. Criteria: ACMG Guidelines, 2015. Collection method: clinical testing. Allele origin: germline.

Breakthrough Genomics
Classification: Benign. Review status: criteria provided, single submitter. Criteria: ACMG Guidelines, 2015. Collection method: not provided. Allele origin: germline. Inheritance: Autosomal recessive inheritance. Affected: yes.

NM_001044.5(SLC6A3):c.1413C>G (p.Val471=)

Gene: SLC6A3 (solute carrier family 6 member 3). Cytogenetic location: 5p15.33.
Variant type: single nucleotide variant.
Coding change: c.1413C>G on transcript NM_001044.5 (MANE Select); coding-DNA position 1413, C replaced by G.
Protein change: p.Val471=; no amino-acid change (valine 471 retained).
Molecular consequence: synonymous variant.
Genome position (GRCh38, 1-based): chr5:1,409,111, G>C on the plus strand (C>G on the coding strand, the complement: SLC6A3 is on the minus strand). VCF-style: chr5-1409111-G-C. GRCh37 (hg19) VCF-style: chr5-1409226-G-C.
Identifiers: ClinVar variation 470633 (VCV000470633.38), dbSNP rs8179035, ClinGen allele CA3186039.